The following is an entry in ClinVar:

NM_004482.4(GALNT3):c.1619del (p.Gly540fs)

Gene: GALNT3 (polypeptide N-acetylgalactosaminyltransferase 3; minus strand). Cytogenetic location: 2q24.3.
Variant type: Deletion.
Coding change: c.1619del on transcript NM_004482.4 (MANE Select); coding-DNA position 1619, one base deleted (G; older notation c.1619delG).
Protein change: p.Gly540fs; shifts the reading frame from glycine 540.
Molecular consequence: frameshift variant.
Genome position (GRCh38, 1-based): chr2:165,754,634, C deleted on the plus strand (G on the coding strand, the reverse complement: GALNT3 is on the minus strand); the first of 5 consecutive C bases (chr2:165,754,634-165,754,638); deleting any one gives the same sequence. VCF-style (leftmost placement, unchanged base first): chr2-165754633-TC-T. GRCh37 (hg19) VCF-style: chr2-166611143-TC-T.
Other names: short protein forms G540fs.
Identifiers: ClinVar variation 2845598 (VCV002845598.3), dbSNP rs2467862069, ClinGen allele CA2739271461.

ClinVar aggregate classification (germline): Pathogenic (1 of 4 stars; one submission).

Submission:

Labcorp Genetics (formerly Invitae), Labcorp
Classification: Pathogenic. Last evaluated: 2023-03-14. Review status: criteria provided, single submitter. Criteria: Invitae Variant Classification Sherloc (09022015). Collection method: clinical testing. Allele origin: germline.
Comment: For these reasons, this variant has been classified as Pathogenic. This variant has not been reported in the literature in individuals affected with GALNT3-related conditions. This variant is not present in population databases (gnomAD no frequency). This sequence change creates a premature translational stop signal (p.Gly540Glufs*32) in the GALNT3 gene. It is expected to result in an absent or disrupted protein product. Loss-of-function variants in GALNT3 are known to be pathogenic (PMID: 15133511, 20358599).

Literature cited by the submitters: PubMed 15133511; PubMed 20358599.